The following is an entry in ClinVar:

NM_005629.4(SLC6A8):c.115G>A (p.Gly39Ser)

Gene: SLC6A8 (solute carrier family 6 member 8; plus strand). Cytogenetic location: Xq28.
Variant type: single nucleotide variant.
Coding change: c.115G>A on transcript NM_005629.4 (MANE Select); coding-DNA position 115, G replaced by A.
Protein change: p.Gly39Ser; replaces glycine 39 with serine.
Molecular consequence: missense variant.
Genome position (GRCh38, 1-based): chrX:153,688,689, G>A. VCF-style: chrX-153688689-G-A. GRCh37 (hg19) VCF-style: chrX-152954144-G-A.
Other names: c.115G>A, p.Gly39Ser (NM_001142805.2); short protein forms G39S.
Identifiers: ClinVar variation 3063927 (VCV003063927.3), dbSNP rs2522145050, ClinGen allele CA415076311.

ClinVar aggregate classification (germline): Uncertain significance. Review status: criteria provided, multiple submitters, no conflicts (2 of 4 stars). 2 submissions from 2 submitters: Uncertain significance (2). Last evaluated 2024-06-26.

Conditions:
Creatine transporter deficiency (CCDS1). Also called: Mental retardation , X-linked with seizures, short stature and midface hypoplasia; Mental retardation , X-linked, with creatine transport deficiency; X-linked creatine transporter deficiency; X-linked creatine deficiency syndrome; SLC6A8-Related Creatine Transporter Deficiency; CREATINE TRANSPORTER DEFECT. Identifiers: Orphanet 52503, MedGen C1845862, MONDO:0010305, OMIM 300352.

Submissions (2):

Labcorp Genetics (formerly Invitae), Labcorp
Classification: Uncertain significance for Creatine transporter deficiency. Last evaluated: 2024-06-26. Review status: criteria provided, single submitter. Criteria: Invitae Variant Classification Sherloc (09022015). Collection method: clinical testing. Allele origin: germline.
Comment: This sequence change replaces glycine, which is neutral and non-polar, with serine, which is neutral and polar, at codon 39 of the SLC6A8 protein (p.Gly39Ser). This variant is not present in population databases (gnomAD no frequency). This variant has not been reported in the literature in individuals affected with SLC6A8-related conditions. Advanced modeling of protein sequence and biophysical properties (such as structural, functional, and spatial information, amino acid conservation, physicochemical variation, residue mobility, and thermodynamic stability) performed at Invitae indicates that this missense variant is not expected to disrupt SLC6A8 protein function with a negative predictive value of 95%. In summary, the available evidence is currently insufficient to determine the role of this variant in disease. Therefore, it has been classified as a Variant of Uncertain Significance.

Women's Health and Genetics/Laboratory Corporation of America, LabCorp
Classification: Uncertain significance. Last evaluated: 2024-01-02. Review status: criteria provided, single submitter. Criteria: LabCorp Variant Classification Summary - May 2015. Collection method: clinical testing. Allele origin: germline.
Comment: Variant summary: SLC6A8 c.115G>A (p.Gly39Ser) results in a non-conservative amino acid change in the encoded protein sequence. Four of five in-silico tools predict a benign effect of the variant on protein function. The frequency data for this variant in gnomAD is considered unreliable, as metrics indicate poor data quality at this position. To our knowledge, no occurrence of c.115G>A in individuals affected with Creatine Deficiency, X-Linked and no experimental evidence demonstrating its impact on protein function have been reported. No submitters have cited clinical-significance assessments for this variant to ClinVar after 2014. Based on the evidence outlined above, the variant was classified as uncertain significance.